The following is an entry in ClinVar:

ClinVar aggregate classification (germline): Pathogenic (1 of 4 stars; one submission).

Conditions:
Long QT syndrome (LQTS). Identifiers: MedGen C0023976, MeSH D008133, MONDO:0002442. Disease mechanism: loss of function. Inheritance: Various modes of inheritance.

Submission:

Labcorp Genetics (formerly Invitae), Labcorp
Classification: Pathogenic for Long QT syndrome. Last evaluated: 2022-11-12. Review status: criteria provided, single submitter. Criteria: Invitae Variant Classification Sherloc (09022015). Collection method: clinical testing. Allele origin: germline.
Comment: This sequence change creates a premature translational stop signal (p.Thr264Hisfs*20) in the KCNQ1 gene. It is expected to result in an absent or disrupted protein product. Loss-of-function variants in KCNQ1 are known to be pathogenic (PMID: 9323054, 19862833). This variant is not present in population databases (gnomAD no frequency). This variant has not been reported in the literature in individuals affected with KCNQ1-related conditions. For these reasons, this variant has been classified as Pathogenic.

Literature cited by the submitters: PubMed 9323054; PubMed 19862833.

NM_000218.3(KCNQ1):c.790_791del (p.Thr264fs)

Gene: KCNQ1 (potassium voltage-gated channel subfamily Q member 1; plus strand). Cytogenetic location: 11p15.5.
Variant type: Deletion.
Coding change: c.790_791del on transcript NM_000218.3 (MANE Select); coding-DNA positions 790 to 791, 2 bases deleted (AC; older notation c.790_791delAC).
Protein change: p.Thr264fs; shifts the reading frame from threonine 264.
Molecular consequence: frameshift variant. On other transcripts: intron variant (1).
Genome position (GRCh38, 1-based): chr11:2,572,855-2,572,856, AC deleted. VCF-style (leftmost placement, unchanged base first): chr11-2572854-AAC-A. GRCh37 (hg19) VCF-style: chr11-2594084-AAC-A.
Other names: c.478-10580_478-10579del (NM_001406838.1); c.409_410del, p.Thr137fs (NM_181798.2); c.790_791del, p.Thr264fs (NM_001406836.1); c.520_521del, p.Thr174fs (NM_001406837.1); short protein forms T137fs, T174fs, T264fs.
Identifiers: ClinVar variation 2723186 (VCV002723186.3), dbSNP rs2493673735, ClinGen allele CA2697558900.